The following is an entry in ClinVar:

ClinVar aggregate classification (germline): Pathogenic (1 of 4 stars; one submission).

Conditions:
Generalized epilepsy-paroxysmal dyskinesia syndrome (PNKD3). Also called: Generalized epilepsy and paroxysmal dyskinesia; Paroxysmal nonkinesigenic dyskinesia, 3, with or without generalized epilepsy. Identifiers: Orphanet 79137, MedGen C5574945, MONDO:0012276, OMIM 609446.

Submission:

Labcorp Genetics (formerly Invitae), Labcorp
Classification: Pathogenic for Generalized epilepsy-paroxysmal dyskinesia syndrome. Last evaluated: 2024-04-15. Review status: criteria provided, single submitter. Criteria: Invitae Variant Classification Sherloc (09022015). Collection method: clinical testing. Allele origin: germline.
Comment: This sequence change creates a premature translational stop signal (p.Ile1018Leufs*28) in the KCNMA1 gene. It is expected to result in an absent or disrupted protein product. Loss-of-function variants in KCNMA1 are known to be pathogenic (PMID: 27567911, 29545233). This variant is not present in population databases (gnomAD no frequency). This variant has not been reported in the literature in individuals affected with KCNMA1-related conditions. For these reasons, this variant has been classified as Pathogenic.

Literature cited by the submitters: PubMed 27567911; PubMed 29545233.

NM_001161352.2(KCNMA1):c.3226del (p.Ile1076fs)

Genes: KCNMA1-AS1 (KCNMA1 antisense RNA 1; plus strand), KCNMA1 (potassium calcium-activated channel subfamily M alpha 1; minus strand). Cytogenetic location: 10q22.3.
Variant type: Deletion.
Coding change: c.3226del on transcript NM_001161352.2 (MANE Select); coding-DNA position 3226, one base deleted (A; older notation c.3226delA).
Protein change: p.Ile1076fs; shifts the reading frame from isoleucine 1076.
Molecular consequence: frameshift variant.
Genome position (GRCh38, 1-based): chr10:76,891,641, T deleted on the plus strand (A on the coding strand, the reverse complement: KCNMA1 is on the minus strand). VCF-style (leftmost placement, unchanged base first): chr10-76891640-AT-A. GRCh37 (hg19) VCF-style: chr10-78651398-AT-A.
Other names: c.3064del, p.Ile1022fs (NM_001014797.3); c.3175del, p.Ile1059fs (NM_001161353.2); c.2902del, p.Ile968fs (NM_001271518.2); c.3142del, p.Ile1048fs (NM_001271519.2); c.3061del, p.Ile1021fs (NM_001322829.2, NM_001322836.2); c.3154del, p.Ile1052fs (NM_001322830.2); c.3052del, p.Ile1018fs (NM_001322832.2, NM_001410940.1, NM_002247.4); c.3145del, p.Ile1049fs (NM_001322835.2, NM_001322837.2); and 1 more; short protein forms I1018fs, I1021fs, I1059fs, I867fs, I1022fs, I1048fs, I1076fs, I1049fs.
Identifiers: ClinVar variation 3649914 (VCV003649914.2).